The following is an entry in ClinVar:

NM_001385012.1(NBEA):c.5331A>C (p.Gln1777His)

Gene: NBEA (neurobeachin; plus strand). Cytogenetic location: 13q13.3.
Variant type: single nucleotide variant.
Coding change: c.5331A>C on transcript NM_001385012.1 (MANE Select); coding-DNA position 5331, A replaced by C.
Protein change: p.Gln1777His; replaces glutamine 1777 with histidine.
Molecular consequence: missense variant.
Genome position (GRCh38, 1-based): chr13:35,196,267, A>C. VCF-style: chr13-35196267-A-C. GRCh37 (hg19) VCF-style: chr13-35770404-A-C.
Other names: c.5322A>C, p.Gln1774His (NM_001379245.1); c.5331A>C, p.Gln1777His (NM_015678.5); short protein forms Q1777H, Q1774H.
Identifiers: ClinVar variation 790673 (VCV000790673.6), dbSNP rs202051773, ClinGen allele CA6947065.

ClinVar aggregate classification (germline): Benign. Review status: criteria provided, multiple submitters, no conflicts (2 of 4 stars). 3 submissions from 3 submitters: Benign (2). 1 of the submissions does not count toward it. Last evaluated 2018-06-13.

Conditions:
NBEA-related disorder. Also called: NBEA-related condition.

Allele frequency attached by ClinVar (database versions not stated): gnomAD exomes 0.00048 and 0.00124; ExAC 0.00145; gnomAD 0.00535 and 0.00576; 1000 Genomes Project 0.00559; TOPMed 0.00575; 1000 Genomes Project 30x 0.00656.
gnomAD v4.1: 1,531 of 1,613,430 alleles (0.095%); highest among the groups gnomAD compares: African/African-American, 1.8%; 16 homozygotes.

Submissions (3):

Labcorp Genetics (formerly Invitae), Labcorp
Classification: Benign. Last evaluated: 2018-06-13. Review status: criteria provided, single submitter. Criteria: Invitae Variant Classification Sherloc (09022015). Collection method: clinical testing. Allele origin: germline.

Breakthrough Genomics
Classification: Benign. Review status: criteria provided, single submitter. Criteria: ACMG Guidelines, 2015. Collection method: not provided. Allele origin: germline. Inheritance: Autosomal dominant inheritance. Affected: yes.

PreventionGenetics, part of Exact Sciences
Classification: Benign for NBEA-related condition. Last evaluated: 2019-03-20. Review status: no assertion criteria provided. Collection method: clinical testing. Allele origin: germline. Not counted in ClinVar's aggregate classification.
Comment: This variant is classified as benign based on ACMG/AMP sequence variant interpretation guidelines (Richards et al. 2015 PMID: 25741868, with internal and published modifications).